The following is an entry in ClinVar:

ClinVar aggregate classification (germline): Uncertain significance (1 of 4 stars; one submission).

Submission:

Labcorp Genetics (formerly Invitae), Labcorp
Classification: Uncertain significance. Last evaluated: 2022-01-21. Review status: criteria provided, single submitter. Criteria: Invitae Variant Classification Sherloc (09022015). Collection method: clinical testing. Allele origin: germline.
Comment: In summary, the available evidence is currently insufficient to determine the role of this variant in disease. Therefore, it has been classified as a Variant of Uncertain Significance. Variants that disrupt the consensus splice site are a relatively common cause of aberrant splicing (PMID: 17576681, 9536098). Algorithms developed to predict the effect of sequence changes on RNA splicing suggest that this variant may disrupt the consensus splice site. This variant has not been reported in the literature in individuals affected with TCF3-related conditions. This variant is not present in population databases (gnomAD no frequency). This sequence change falls in intron 8 of the TCF3 gene. It does not directly change the encoded amino acid sequence of the TCF3 protein. It affects a nucleotide within the consensus splice site.

Literature cited by the submitters: PubMed 17576681; PubMed 9536098.

NM_003200.5(TCF3):c.549+5G>A

Gene: TCF3 (transcription factor 3; minus strand). Cytogenetic location: 19p13.3.
Variant type: single nucleotide variant.
Coding change: c.549+5G>A on transcript NM_003200.5 (MANE Select); 5 bases into the intron after coding-DNA position 549, G replaced by A.
Molecular consequence: intron variant.
Genome position (GRCh38, 1-based): chr19:1,623,946, C>T on the plus strand (G>A on the coding strand, the complement: TCF3 is on the minus strand). VCF-style: chr19-1623946-C-T. GRCh37 (hg19) VCF-style: chr19-1623945-C-T.
Other names: c.549+5G>A (NM_001351778.2, NM_001136139.4, NM_001351779.2).
Identifiers: ClinVar variation 2088762 (VCV002088762.4), dbSNP rs2513767301, ClinGen allele CA2580096110.
Genomic context (GRCh38, chr19:1,623,946, plus strand): 5'-CAGGACACAGGGCCTGGCACTGCCACTGACGAGCTGTGGGGTCCCTTCTCCCTCGTGCGA[C>T]TCACCGAGGATGGAAGACCCGGCGGGACCTTCCGGACCTTCTTGGGCTGCGTGTCTGTTA-3'